The following is an entry in ClinVar:

NM_001277115.2(DNAH11):c.13420C>T (p.Gln4474Ter)

Genes: CDCA7L (cell division cycle associated 7 like; minus strand), DNAH11 (dynein axonemal heavy chain 11; plus strand). Cytogenetic location: 7p15.3.
Variant type: single nucleotide variant.
Coding change: c.13420C>T on transcript NM_001277115.2 (MANE Select); coding-DNA position 13420, C replaced by T.
Protein change: p.Gln4474Ter; replaces glutamine 4474 with a stop codon.
Molecular consequence: nonsense. On other transcripts: 3 prime UTR variant (3).
Genome position (GRCh38, 1-based): chr7:21,901,123, C>T. VCF-style: chr7-21901123-C-T. GRCh37 (hg19) VCF-style: chr7-21940741-C-T.
Other names: c.*1199G>A (NM_001127370.3, NM_001127371.3, NM_018719.5); short protein forms Q4474*.
Identifiers: ClinVar variation 2724033 (VCV002724033.3), dbSNP rs1467862243, ClinGen allele CA366957031.

ClinVar aggregate classification (germline): Pathogenic (1 of 4 stars; one submission).

Conditions:
Primary ciliary dyskinesia. Also called: Ciliary dyskinesia. Identifiers: Orphanet 244, MedGen C0008780, MONDO:0016575, HP:0012265.

gnomAD v4.1: 1 of 1,613,932 alleles (0.000062%); highest among the groups gnomAD compares: Non-Finnish European, 0.000085%; no homozygotes.

Submission:

Labcorp Genetics (formerly Invitae), Labcorp
Classification: Pathogenic for Primary ciliary dyskinesia. Last evaluated: 2023-10-30. Review status: criteria provided, single submitter. Criteria: Invitae Variant Classification Sherloc (09022015). Collection method: clinical testing. Allele origin: germline.
Comment: This sequence change creates a premature translational stop signal (p.Gln4474*) in the DNAH11 gene. While this is not anticipated to result in nonsense mediated decay, it is expected to disrupt the last 43 amino acid(s) of the DNAH11 protein. This variant is not present in population databases (gnomAD no frequency). This variant has not been reported in the literature in individuals affected with DNAH11-related conditions. This variant disrupts a region of the DNAH11 protein in which other variant(s) (p.Trp4505Serfs*10) have been determined to be pathogenic (Invitae). This suggests that this is a clinically significant region of the protein, and that variants that disrupt it are likely to be disease-causing. For these reasons, this variant has been classified as Pathogenic.